The following is an entry in ClinVar:

ClinVar aggregate classification (germline): Uncertain significance. Review status: criteria provided, multiple submitters, no conflicts (2 of 4 stars). 2 submissions from 2 submitters: Uncertain significance (2). Last evaluated 2025-11-12.

Conditions:
Hypertrophic cardiomyopathy. Also called: HYPERTROPHIC MYOCARDIOPATHY. Identifiers: Orphanet 217569, MedGen C0007194, MeSH D002312, MONDO:0005045, HP:0001639.

gnomAD v4.1: 3 of 1,614,126 alleles (0.00019%); highest among the groups gnomAD compares: African/African-American, 0.0027%; no homozygotes.

Submissions (2):

Labcorp Genetics (formerly Invitae), Labcorp
Classification: Uncertain significance for Hypertrophic cardiomyopathy. Last evaluated: 2025-11-12. Review status: criteria provided, single submitter. Criteria: Invitae Variant Classification Sherloc (09022015). Collection method: clinical testing. Allele origin: germline.
Comment: This sequence change replaces arginine, which is basic and polar, with serine, which is neutral and polar, at codon 1689 of the MYH7 protein (p.Arg1689Ser). This variant is not present in population databases (gnomAD no frequency). This variant has not been reported in the literature in individuals affected with MYH7-related conditions. ClinVar contains an entry for this variant (Variation ID: 2889741). Invitae Evidence Modeling of protein sequence and biophysical properties (such as structural, functional, and spatial information, amino acid conservation, physicochemical variation, residue mobility, and thermodynamic stability) indicates that this missense variant is expected to disrupt MYH7 protein function with a positive predictive value of 95%. In summary, the available evidence is currently insufficient to determine the role of this variant in disease. Therefore, it has been classified as a Variant of Uncertain Significance.

Blueprint Genetics
Classification: Uncertain significance. Last evaluated: 2019-04-16. Review status: criteria provided, single submitter. Criteria: ACMG Guidelines, 2015. Collection method: clinical testing. Allele origin: germline.

NM_000257.4(MYH7):c.5065C>A (p.Arg1689Ser)

Genes: MHRT (myosin heavy chain associated RNA transcript; plus strand), MYH7 (myosin heavy chain 7; minus strand), LOC126861897 (BRD4-independent group 4 enhancer GRCh37_chr14:23884455-23885654; plus strand). Cytogenetic location: 14q11.2.
Variant type: single nucleotide variant.
Coding change: c.5065C>A on transcript NM_000257.4 (MANE Select); coding-DNA position 5065, C replaced by A.
Protein change: p.Arg1689Ser; replaces arginine 1689 with serine.
Molecular consequence: missense variant. On other transcripts: non-coding transcript variant (1).
Genome position (GRCh38, 1-based): chr14:23,415,721, G>T on the plus strand (C>A on the coding strand, the complement: MYH7 is on the minus strand). VCF-style: chr14-23415721-G-T. GRCh37 (hg19) VCF-style: chr14-23884930-G-T.
Other names: c.5065C>A, p.Arg1689Ser (NM_001407004.1); short protein forms R1689S.
Identifiers: ClinVar variation 2889741 (VCV002889741.4), dbSNP rs730880915, ClinGen allele CA389037031.